The following is an entry in ClinVar:

ClinVar aggregate classification (germline): Likely benign. Review status: criteria provided, single submitter (1 of 4 stars). 2 submissions from 2 submitters: Likely benign (1). 1 of the submissions does not count toward it. Last evaluated 2024-12-16.

Conditions:
Inborn genetic diseases. Identifiers: MedGen C0950123, MeSH D030342.
BAZ2B-related disorder. Also called: BAZ2B-related condition.

Allele frequency attached by ClinVar (database versions not stated): ExAC 0.00045; gnomAD 0.00147; 1000 Genomes Project 30x 0.00156; ESP Exome Variant Server 0.00159; 1000 Genomes Project 0.00160.
gnomAD v4.1: 420 of 1,614,120 alleles (0.026%); highest among the groups gnomAD compares: African/African-American, 0.51%; no homozygotes.

Submissions (2):

Ambry Genetics
Classification: Likely benign for Inborn genetic diseases. Last evaluated: 2024-12-16. Review status: criteria provided, single submitter. Criteria: Ambry Variant Classification Scheme 2023. Collection method: clinical testing. Allele origin: germline.

PreventionGenetics, part of Exact Sciences
Classification: Likely benign for BAZ2B-related condition. Last evaluated: 2023-12-21. Review status: no assertion criteria provided. Collection method: clinical testing. Allele origin: germline. Not counted in ClinVar's aggregate classification.
Comment: This variant is classified as likely benign based on ACMG/AMP sequence variant interpretation guidelines (Richards et al. 2015 PMID: 25741868, with internal and published modifications).

NM_013450.4(BAZ2B):c.1438C>A (p.Pro480Thr)

Gene: BAZ2B (bromodomain adjacent to zinc finger domain 2B; minus strand). Cytogenetic location: 2q24.2.
Variant type: single nucleotide variant.
Coding change: c.1438C>A on transcript NM_013450.4 (MANE Select); coding-DNA position 1438, C replaced by A.
Protein change: p.Pro480Thr; replaces proline 480 with threonine.
Molecular consequence: missense variant.
Genome position (GRCh38, 1-based): chr2:159,433,219, G>T on the plus strand (C>A on the coding strand, the complement: BAZ2B is on the minus strand). VCF-style: chr2-159433219-G-T. GRCh37 (hg19) VCF-style: chr2-160289730-G-T.
Other names: c.1432C>A, p.Pro478Thr (NM_001289975.1); c.1249C>A, p.Pro417Thr (NM_001329857.2); c.1438C>A, p.Pro480Thr (NM_001329858.2); c.1438C>A (NM_013450.2); short protein forms P417T, P478T, P480T.
Identifiers: ClinVar variation 3033857 (VCV003033857.3), dbSNP rs139354349, ClinGen allele CA1924911.
Genomic context (GRCh38, chr2:159,433,219, plus strand): 5'-TTTGAATAACTCCATTTGGTTGGTGATTACCTAAAAGTGCATTTGTCAAGAATGGATTTG[G>T]GTGGTTGTTTTCTAATGTTTGTTTTGGATGTGCTGGTGAACTAGAGGTTGCTTTTGGATT-3'
Protein context (NP_038478.2, residues 470-490): HPKQTLENNH[Pro480Thr]NPFLTNALLG